The following is an entry in ClinVar:

NM_052947.4(ALPK2):c.1132C>A (p.Leu378Ile)

Genes: ALPK2 (alpha kinase 2; minus strand), LOC114803473 (ALPK2 eExon liver enhancer; plus strand). Cytogenetic location: 18q21.31.
Variant type: single nucleotide variant.
Coding change: c.1132C>A on transcript NM_052947.4 (MANE Select); coding-DNA position 1132, C replaced by A.
Protein change: p.Leu378Ile; replaces leucine 378 with isoleucine.
Molecular consequence: missense variant.
Genome position (GRCh38, 1-based): chr18:58,579,644, G>T on the plus strand (C>A on the coding strand, the complement: ALPK2 is on the minus strand). VCF-style: chr18-58579644-G-T. GRCh37 (hg19) VCF-style: chr18-56246876-G-T.
Other names: short protein forms L378I.
Identifiers: ClinVar variation 1728773 (VCV001728773.2), dbSNP rs865946437, ClinGen allele CA402564570.

ClinVar aggregate classification (germline): Uncertain significance (1 of 4 stars; one submission).

Submission:

Ambry Genetics
Classification: Uncertain significance. Last evaluated: 2022-01-04. Review status: criteria provided, single submitter. Criteria: Ambry Variant Classification Scheme 2023. Collection method: clinical testing. Allele origin: germline.
Comment: The p.L378I variant (also known as c.1132C>A), located in coding exon 3 of the ALPK2 gene, results from a C to A substitution at nucleotide position 1132. The leucine at codon 378 is replaced by isoleucine, an amino acid with highly similar properties. This amino acid position is conserved. In addition, this alteration is predicted to be tolerated by in silico analysis. Since supporting evidence is limited at this time, the clinical significance of this alteration remains unclear.